The following is an entry in ClinVar:

NM_173076.3(ABCA12):c.7333A>G (p.Thr2445Ala)

Genes: ABCA12 (ATP binding cassette subfamily A member 12; minus strand), SNHG31 (small nucleolar RNA host gene 31; plus strand). Cytogenetic location: 2q35.
Variant type: single nucleotide variant.
Coding change: c.7333A>G on transcript NM_173076.3 (MANE Select); coding-DNA position 7333, A replaced by G.
Protein change: p.Thr2445Ala; replaces threonine 2445 with alanine.
Molecular consequence: missense variant. On other transcripts: non-coding transcript variant (1).
Genome position (GRCh38, 1-based): chr2:214,945,011, T>C on the plus strand (A>G on the coding strand, the complement: ABCA12 is on the minus strand). VCF-style: chr2-214945011-T-C. GRCh37 (hg19) VCF-style: chr2-215809735-T-C.
Other names: c.6379A>G, p.Thr2127Ala (NM_015657.4); short protein forms T2127A, T2445A.
Identifiers: ClinVar variation 2633758 (VCV002633758.1), dbSNP rs2469125660, ClinGen allele CA350793573.

ClinVar aggregate classification (germline): Uncertain significance (1 of 4 stars; one submission).

Conditions:
ABCA12-related disorder. Also called: ABCA12-related condition.

Submission:

PreventionGenetics, part of Exact Sciences
Classification: Uncertain significance for ABCA12-related condition. Last evaluated: 2023-07-26. Review status: criteria provided, single submitter. Criteria: ACMG Guidelines, 2015. Collection method: clinical testing. Allele origin: germline.
Comment: The ABCA12 c.7333A>G variant is predicted to result in the amino acid substitution p.Thr2445Ala. To our knowledge, this variant has not been reported in the literature or in a large population database, indicating this variant is rare. Although we suspect that this variant may be pathogenic, at this time, the clinical significance of this variant is uncertain due to the absence of conclusive functional and genetic evidence.